The following is an entry in ClinVar:

ClinVar aggregate classification (germline): Uncertain significance (1 of 4 stars; one submission).

Conditions:
Joubert syndrome. Also called: CEREBELLOPARENCHYMAL DISORDER IV; JOUBERT-BOLTSHAUSER SYNDROME; Familial aplasia of the vermis. Identifiers: Orphanet 475, MedGen C5979921, MONDO:0018772.
Orofaciodigital syndrome I (OFD1). Also called: OFDS I; Papillon-Leage and Psaume Syndrome; Oral-Facial-Digital Syndrome Type I. Identifiers: Orphanet 2750, MedGen C1510460, MONDO:0010702, OMIM 311200.

Submission:

Labcorp Genetics (formerly Invitae), Labcorp
Classification: Uncertain significance for Orofaciodigital syndrome I; Joubert syndrome. Last evaluated: 2025-03-24. Review status: criteria provided, single submitter. Criteria: Invitae Variant Classification Sherloc (09022015). Collection method: clinical testing. Allele origin: germline.
Comment: This variant, c.2351_2365dup, results in the insertion of 5 amino acid(s) of the OFD1 protein (p.Ile784_Ser788dup), but otherwise preserves the integrity of the reading frame. This variant is not present in population databases (gnomAD no frequency). This variant has not been reported in the literature in individuals affected with OFD1-related conditions. ClinVar contains an entry for this variant (Variation ID: 2145021). In summary, the available evidence is currently insufficient to determine the role of this variant in disease. Therefore, it has been classified as a Variant of Uncertain Significance.

NM_003611.3(OFD1):c.2351_2365dup (p.Ser788_Ser789insIleProProValSer)

Gene: OFD1 (OFD1 centriole and centriolar satellite protein; plus strand). Cytogenetic location: Xp22.2.
Variant type: Duplication.
Coding change: c.2351_2365dup on transcript NM_003611.3 (MANE Select); coding-DNA positions 2351 to 2365, 15 bases duplicated (TCCCTCCTGTCTCCA).
Protein change: p.Ser788_Ser789insIleProProValSer.
Molecular consequence: inframe insertion.
Genome position (GRCh38, 1-based): chrX:13,761,175-13,761,189, TCCCTCCTGTCTCCA duplicated; duplicating any 15 consecutive bases within chrX:13,761,169-13,761,189 gives the same sequence; the c. name uses the placement nearest the transcript's 3' end. VCF-style (leftmost placement, unchanged base first): chrX-13761168-C-CTCTCCATCCCTCCTG. GRCh37 (hg19) VCF-style: chrX-13779287-C-CTCTCCATCCCTCCTG.
Other names: c.2231_2245dup, p.Ser748_Ser749insIleProProValSer (NM_001330209.2); c.1931_1945dup, p.Ser648_Ser649insIleProProValSer (NM_001330210.2).
Identifiers: ClinVar variation 2145021 (VCV002145021.4), dbSNP rs2047912361, ClinGen allele CA1131168281.
Genomic context (GRCh38, chrX:13,761,168, plus strand): 5'-TCCCCCAGTCCTTGTCCTGACAGAATGCCCCTACCATCACCCACTGAGTCTAGGCACAGC[C>CTCTCCATCCCTCCTG]TCTCCATCCCTCCTGTCTCCAGCCCTCCGGAGCAGAAAGTGGGGTAAGTATAACGTTCTG-3'